The following is an entry in ClinVar:

ClinVar aggregate classification (germline): Likely pathogenic (1 of 4 stars; one submission).

Conditions:
Hereditary cancer-predisposing syndrome. Also called: Tumor predisposition; Neoplastic Syndromes, Hereditary; Hereditary Cancer Syndrome; Hereditary neoplastic syndrome. Identifiers: Orphanet 140162, MedGen C0027672, MeSH D009386, MONDO:0015356.

Submission:

Ambry Genetics
Classification: Likely pathogenic for Hereditary cancer-predisposing syndrome. Last evaluated: 2020-10-06. Review status: criteria provided, single submitter. Criteria: Ambry Variant Classification Scheme 2023. Collection method: clinical testing. Allele origin: germline.
Comment: The c.3180_3181insALU likely pathogenic variant results from an Alu element insertion located in coding exon 11 of the PALB2 gene. Alu element insertions contribute to pathogenicity by either disrupting the coding sequence or inducing aberrant splicing (Belancio VP et al. Semin. Cancer Biol. 2010 Aug;20:200-10; Deininger P et al. Genome Biol. 2011 Dec;12:236). Based on the majority of available evidence to date, this variant is likely to be pathogenic.

NM_024675.3:c.3180_3181insALU

Gene: PALB2 (partner and localizer of BRCA2; minus strand).
Variant type: Insertion.
Identifiers: ClinVar variation 1728535 (VCV001728535.2).